The following is an entry in ClinVar:

NM_015480.3(NECTIN3):c.138G>A (p.Leu46=)

Gene: NECTIN3 (nectin cell adhesion molecule 3; plus strand). Cytogenetic location: 3q13.13.
Variant type: single nucleotide variant.
Coding change: c.138G>A on transcript NM_015480.3 (MANE Select); coding-DNA position 138, G replaced by A.
Protein change: p.Leu46=; no amino-acid change (leucine 46 retained).
Molecular consequence: synonymous variant. On other transcripts: 5 prime UTR variant (1).
Genome position (GRCh38, 1-based): chr3:111,072,155, G>A. VCF-style: chr3-111072155-G-A. GRCh37 (hg19) VCF-style: chr3-110791002-G-A.
Other names: c.138G>A, p.Leu46= (NM_001243286.2); c.-265G>A (NM_001243288.2).
Identifiers: ClinVar variation 3039535 (VCV003039535.2), dbSNP rs369337016, ClinGen allele CA2533646.

ClinVar aggregate classification (germline): Likely benign (0 of 4 stars; one submission).

Conditions:
NECTIN3-related disorder. Also called: NECTIN3-related condition.

Allele frequency attached by ClinVar (database versions not stated): 1000 Genomes Project 0.00040; ExAC 0.00048; 1000 Genomes Project 30x 0.00062; ESP Exome Variant Server 0.00080; gnomAD 0.00081; TOPMed 0.00129.
gnomAD v4.1: 1,551 of 1,553,760 alleles (0.1%); highest among the groups gnomAD compares: Admixed American, 0.2%; 2 homozygotes.

Submission:

PreventionGenetics, part of Exact Sciences
Classification: Likely benign for NECTIN3-related condition. Last evaluated: 2019-05-28. Review status: no assertion criteria provided. Collection method: clinical testing. Allele origin: germline.
Comment: This variant is classified as likely benign based on ACMG/AMP sequence variant interpretation guidelines (Richards et al. 2015 PMID: 25741868, with internal and published modifications).